The following is an entry in ClinVar:

ClinVar aggregate classification (germline): Uncertain significance (1 of 4 stars; one submission).

Submission:

GeneDx
Classification: Uncertain significance. Last evaluated: 2026-07-28. Review status: criteria provided, single submitter. Criteria: GeneDx Variant Classification Process June 2021. Collection method: clinical testing. Allele origin: germline.
Comment: Not observed at significant frequency in large population cohorts (gnomAD); In silico analysis suggests that this missense variant does not alter protein structure/function; Has not been previously published as pathogenic or benign to our knowledge

NM_018489.3(ASH1L):c.5045C>A (p.Pro1682His)

Gene: ASH1L (ASH1 like histone lysine methyltransferase; minus strand). Cytogenetic location: 1q22.
Variant type: single nucleotide variant.
Coding change: c.5045C>A on transcript NM_018489.3 (MANE Select); coding-DNA position 5045, C replaced by A.
Protein change: p.Pro1682His; replaces proline 1682 with histidine.
Molecular consequence: missense variant.
Genome position (GRCh38, 1-based): chr1:155,459,838, G>T on the plus strand (C>A on the coding strand, the complement: ASH1L is on the minus strand). VCF-style: chr1-155459838-G-T. GRCh37 (hg19) VCF-style: chr1-155429629-G-T.
Other names: c.5045C>A, p.Pro1682His (NM_001366177.2); short protein forms P1682H.
Identifiers: ClinVar variation 3899114 (VCV003899114.2).
Genomic context (GRCh38, chr1:155,459,838, plus strand): 5'-TAAAACAAATAGCACTAGCCTGTTGAAGAAGTACTCTCAGATGAAGACCTTTTCCGGGTA[G>T]GGCTACAATTTGTGCTCTCTGATGGCCGCTGGGAGGGTTTATCAGAGGTTGGCTGGGAGC-3'
Protein context (NP_060959.2, residues 1672-1692): QRPSESTNCS[Pro1682His]TRKRSSSEST